The following is an entry in ClinVar:

ClinVar aggregate classification (germline): Uncertain significance (1 of 4 stars; one submission).

Submission:

Labcorp Genetics (formerly Invitae), Labcorp
Classification: Uncertain significance. Last evaluated: 2024-10-24. Review status: criteria provided, single submitter. Criteria: Invitae Variant Classification Sherloc (09022015). Collection method: clinical testing. Allele origin: germline.
Comment: This sequence change replaces leucine, which is neutral and non-polar, with tryptophan, which is neutral and slightly polar, at codon 1534 of the ABCA4 protein (p.Leu1534Trp). This variant is not present in population databases (gnomAD no frequency). This variant has not been reported in the literature in individuals affected with ABCA4-related conditions. ClinVar contains an entry for this variant (Variation ID: 1041495). Invitae Evidence Modeling of protein sequence and biophysical properties (such as structural, functional, and spatial information, amino acid conservation, physicochemical variation, residue mobility, and thermodynamic stability) indicates that this missense variant is expected to disrupt ABCA4 protein function with a positive predictive value of 95%. In summary, the available evidence is currently insufficient to determine the role of this variant in disease. Therefore, it has been classified as a Variant of Uncertain Significance.

NM_000350.3(ABCA4):c.4601T>G (p.Leu1534Trp)

Gene: ABCA4 (ATP binding cassette subfamily A member 4; minus strand). Cytogenetic location: 1p22.1.
Variant type: single nucleotide variant.
Coding change: c.4601T>G on transcript NM_000350.3 (MANE Select); coding-DNA position 4601, T replaced by G.
Protein change: p.Leu1534Trp; replaces leucine 1534 with tryptophan.
Molecular consequence: missense variant.
Genome position (GRCh38, 1-based): chr1:94,024,987, A>C on the plus strand (T>G on the coding strand, the complement: ABCA4 is on the minus strand). VCF-style: chr1-94024987-A-C. GRCh37 (hg19) VCF-style: chr1-94490543-A-C.
Other names: c.4379T>G, p.Leu1460Trp (NM_001425324.1); short protein forms L1534W, L1460W.
Identifiers: ClinVar variation 1041495 (VCV001041495.8), dbSNP rs1659998732, ClinGen allele CA341284622.